The following is an entry in ClinVar:

ClinVar aggregate classification (germline): Benign/Likely benign. Review status: criteria provided, multiple submitters, no conflicts (2 of 4 stars). 2 submissions from 2 submitters: Benign (1); Likely benign (1). Last evaluated 2025-04-01.

Allele frequency attached by ClinVar (database versions not stated): gnomAD exomes 0.00001; ExAC 0.00002; gnomAD 0.00002; TOPMed 0.00002.
gnomAD v4.1: 23 of 1,614,072 alleles (0.0014%); highest among the groups gnomAD compares: African/African-American, 0.008%; no homozygotes.

Submissions (2):

CeGaT Center for Human Genetics Tuebingen
Classification: Likely benign. Last evaluated: 2025-04-01. Review status: criteria provided, single submitter. Criteria: CeGaT Center For Human Genetics Tuebingen Variant Classification Criteria Version 2. Collection method: clinical testing. Allele origin: germline. Affected: yes. Observed: 1 variant allele.
Comment: ARID1B: BP4, BP7

Labcorp Genetics (formerly Invitae), Labcorp
Classification: Benign. Last evaluated: 2023-01-10. Review status: criteria provided, single submitter. Criteria: Invitae Variant Classification Sherloc (09022015). Collection method: clinical testing. Allele origin: germline.

NM_001374828.1(ARID1B):c.4860C>T (p.Asp1620=)

Gene: ARID1B (AT-rich interaction domain 1B; plus strand). Cytogenetic location: 6q25.3.
Variant type: single nucleotide variant.
Coding change: c.4860C>T on transcript NM_001374828.1 (MANE Select); coding-DNA position 4860, C replaced by T.
Protein change: p.Asp1620=; no amino-acid change (aspartic acid 1620 retained).
Molecular consequence: synonymous variant.
Genome position (GRCh38, 1-based): chr6:157,201,085, C>T. VCF-style: chr6-157201085-C-T. GRCh37 (hg19) VCF-style: chr6-157522219-C-T.
Other names: c.4611C>T, p.Asp1537= (NM_001346813.1); c.2361C>T, p.Asp787= (NM_001363725.2); c.4740C>T, p.Asp1580= (NM_001371656.1, NM_001374820.1); c.4701C>T, p.Asp1567= (NM_017519.3); c.4491C>T, p.Asp1497= (NM_020732.3); c.4278C>T, p.Asp1426= (NM_175863.2).
Identifiers: ClinVar variation 2180722 (VCV002180722.11), dbSNP rs755734669, ClinGen allele CA4067724.